The following is an entry in ClinVar:

NM_000059.4(BRCA2):c.5062G>T (p.Glu1688Ter)

Gene: BRCA2 (BRCA2 DNA repair associated; plus strand). Cytogenetic location: 13q13.1.
Variant type: single nucleotide variant.
Coding change: c.5062G>T on transcript NM_000059.4 (MANE Select); coding-DNA position 5062, G replaced by T.
Protein change: p.Glu1688Ter; replaces glutamic acid 1688 with a stop codon.
Molecular consequence: nonsense. On other transcripts: non-coding transcript variant (1), intron variant (2).
Genome position (GRCh38, 1-based): chr13:32,339,417, G>T. VCF-style: chr13-32339417-G-T. GRCh37 (hg19) VCF-style: chr13-32913554-G-T.
Other names: c.5062G>T, p.Glu1688Ter (NM_001406719.1, NM_001406720.1); c.1910-5141G>T (NM_001406721.1); c.425-5141G>T (NM_001406722.1); short protein forms E1688*.
Identifiers: ClinVar variation 3261555 (VCV003261555.1).

ClinVar aggregate classification (germline): Pathogenic (1 of 4 stars; one submission).

Conditions:
Hereditary cancer-predisposing syndrome. Also called: Hereditary Cancer Syndrome; Tumor predisposition; Hereditary neoplastic syndrome; Neoplastic Syndromes, Hereditary. Identifiers: Orphanet 140162, MedGen C0027672, MeSH D009386, MONDO:0015356.

Submission:

Ambry Genetics
Classification: Pathogenic for Hereditary cancer-predisposing syndrome. Last evaluated: 2024-03-29. Review status: criteria provided, single submitter. Criteria: Ambry Variant Classification Scheme 2023. Collection method: clinical testing. Allele origin: germline.
Comment: The p.E1688* pathogenic mutation (also known as c.5062G>T), located in coding exon 10 of the BRCA2 gene, results from a G to T substitution at nucleotide position 5062. This changes the amino acid from a glutamic acid to a stop codon within coding exon 10. This variant was reported in a cohort of ovarian cancer patients from the Salento peninsula (Southern Italy) (De Matteis E et al. Oncotarget, 2024 Feb;15:134-141). This variant is considered to be rare based on population cohorts in the Genome Aggregation Database (gnomAD). In addition to the clinical data presented in the literature, this alteration is expected to result in loss of function by premature protein truncation or nonsense-mediated mRNA decay. As such, this alteration is interpreted as a disease-causing mutation.

Literature cited by the submitters: PubMed 38386807.